The following is an entry in ClinVar:

NM_002599.5(PDE2A):c.800T>G (p.Val267Gly)

Gene: PDE2A (phosphodiesterase 2A; minus strand). Cytogenetic location: 11q13.4.
Variant type: single nucleotide variant.
Coding change: c.800T>G on transcript NM_002599.5 (MANE Select); coding-DNA position 800, T replaced by G.
Protein change: p.Val267Gly; replaces valine 267 with glycine.
Molecular consequence: missense variant.
Genome position (GRCh38, 1-based): chr11:72,589,938, A>C on the plus strand (T>G on the coding strand, the complement: PDE2A is on the minus strand). VCF-style: chr11-72589938-A-C. GRCh37 (hg19) VCF-style: chr11-72300982-A-C.
Other names: c.779T>G, p.Val260Gly (NM_001143839.4); c.773T>G, p.Val258Gly (NM_001146209.3); c.737T>G, p.Val246Gly (NM_001243784.2); short protein forms V258G, V246G, V260G, V267G.
Identifiers: ClinVar variation 1383940 (VCV001383940.6), dbSNP rs1175905041, ClinGen allele CA381763823.

ClinVar aggregate classification (germline): Uncertain significance (1 of 4 stars; one submission).

Allele frequency attached by ClinVar (database versions not stated): TOPMed 0.00001; gnomAD 0.00002.
gnomAD v4.1: 4 of 1,613,128 alleles (0.00025%); highest among the groups gnomAD compares: African/African-American, 0.004%; no homozygotes.

Submission:

Labcorp Genetics (formerly Invitae), Labcorp
Classification: Uncertain significance. Last evaluated: 2021-09-30. Review status: criteria provided, single submitter. Criteria: Invitae Variant Classification Sherloc (09022015). Collection method: clinical testing. Allele origin: germline.
Comment: In summary, the available evidence is currently insufficient to determine the role of this variant in disease. Therefore, it has been classified as a Variant of Uncertain Significance. Algorithms developed to predict the effect of missense changes on protein structure and function are either unavailable or do not agree on the potential impact of this missense change (SIFT: "Deleterious"; PolyPhen-2: "Probably Damaging"; Align-GVGD: "Class C0"). This variant has not been reported in the literature in individuals affected with PDE2A-related conditions. This variant is not present in population databases (ExAC no frequency). This sequence change replaces valine with glycine at codon 267 of the PDE2A protein (p.Val267Gly). The valine residue is highly conserved and there is a moderate physicochemical difference between valine and glycine.